The following is an entry in ClinVar:

NM_001379610.1(SPINK1):c.200G>A (p.Arg67His)

Gene: SPINK1 (serine peptidase inhibitor Kazal type 1; minus strand). Cytogenetic location: 5q32.
Variant type: single nucleotide variant.
Coding change: c.200G>A on transcript NM_001379610.1 (MANE Select); coding-DNA position 200, G replaced by A.
Protein change: p.Arg67His; replaces arginine 67 with histidine.
Molecular consequence: missense variant.
Genome position (GRCh38, 1-based): chr5:147,824,701, C>T on the plus strand (G>A on the coding strand, the complement: SPINK1 is on the minus strand). VCF-style: chr5-147824701-C-T. GRCh37 (hg19) VCF-style: chr5-147204264-C-T.
Other names: c.200G>A, p.Arg67His (NM_001354966.2, NM_003122.5); short protein forms R67H.
Identifiers: ClinVar variation 132716 (VCV000132716.49), dbSNP rs35523678, ClinGen allele CA332013.

ClinVar aggregate classification (germline): Conflicting classifications of pathogenicity. Review status: criteria provided, conflicting classifications (1 of 4 stars). 12 submissions from 12 submitters: Uncertain significance (1); Benign (5); Likely benign (3). 3 of the submissions do not count toward it. Last evaluated 2026-01-20.

Conditions:
SPINK1-related disorder. Also called: SPINK1-related condition.
Hereditary pancreatitis (PCTT). Also called: Hereditary chronic pancreatitis; PRSS1-Related Hereditary Pancreatitis. Identifiers: Orphanet 676, MedGen C0238339, MONDO:0008185, OMIM 167800.

Allele frequency attached by ClinVar (database versions not stated): ExAC 0.00308; gnomAD 0.00966 and 0.01028; TOPMed 0.01083; ESP Exome Variant Server 0.01161; 1000 Genomes Project 0.01178; 1000 Genomes Project 30x 0.01468.
gnomAD v4.1: 3,172 of 1,613,846 alleles (0.2%); highest among the groups gnomAD compares: African/African-American, 3.3%; 42 homozygotes.

Submissions (12):

Labcorp Genetics (formerly Invitae), Labcorp
Classification: Benign for Hereditary pancreatitis. Last evaluated: 2026-01-20. Review status: criteria provided, single submitter. Criteria: Invitae Variant Classification Sherloc (09022015). Collection method: clinical testing. Allele origin: germline.

Women's Health and Genetics/Laboratory Corporation of America, LabCorp
Classification: Likely benign. Last evaluated: 2025-08-07. Review status: criteria provided, single submitter. Criteria: LabCorp Variant Classification Summary - May 2015. Collection method: clinical testing. Allele origin: germline.
Comment: Variant summary: SPINK1 c.200G>A (p.Arg67His) results in a non-conservative amino acid change located in the Kazal domain (IPR002350) of the encoded protein sequence. Algorithms developed to predict the effect of missense changes on protein structure and function are either unavailable or do not agree on the potential impact of this missense change. The variant allele was found at a frequency of 0.0026 in 250356 control chromosomes, predominantly at a frequency of 0.032 within the African or African-American subpopulation in the gnomAD database, including 8 homozygotes. The observed variant frequency within African or African-American control individuals in the gnomAD database is approximately 1.43 fold of the estimated maximal expected allele frequency for a pathogenic variant in SPINK1 causing Chronic Pancreatitis phenotype (0.022). c.200G>A has been observed in individuals affected with chronic or acute recurrent pancreatitis (e.g. Werlin_2014, Boulling_2012, Giefer_2017, Jalaly_2017, Muller_2019, Scheers_2019). These reports, however, do not provide supportive evidence about association of the variant with the disease. In addition, in a recent report a proband with early onset chronic pancreatitis didn't inherit the variant from a parent who carried the variant but had much later onset of the disease (Hamada_2022). At least two publications reported experimental evidence evaluating the variant impact, and demonstrated no splice change or mRNA expression level alteration (Wu_2017), but loss of PST1 protein (encoded by SPINK1) via Western blotting; however, authors used a monoclonal antibody in these expression studies which might be subject to loss of binding with certain amino acid substitutions, so the perceived reduction in PST1 levels based on this experiment alone could not be accurately assessed (Boulling_2012). The following publications have been ascertained in the context of this evaluation (PMID: 22343981, 22749696, 28502372, 18580441, 28440306, 33097431, 22526274, 31628023, 31391146, 33515547, 25383785, 28994706, 34923708, 35974416). ClinVar contains an entry for this variant (Variation ID: 132716). Based on the evidence outlined above, the variant was classified as likely benign.

ARUP Laboratories, Molecular Genetics and Genomics, ARUP Laboratories
Classification: Likely benign. Last evaluated: 2025-06-30. Review status: criteria provided, single submitter. Criteria: ARUP Molecular Germline Variant Investigation Process 2024. Collection method: clinical testing. Allele origin: germline.

KCCC/NGS Laboratory, Kuwait Cancer Control Center
Classification: Benign for Hereditary pancreatitis. Last evaluated: 2023-07-07. Review status: criteria provided, single submitter. Criteria: ACMG Guidelines, 2015. Collection method: clinical testing. Allele origin: germline. Affected: yes.

Mayo Clinic Laboratories, Mayo Clinic
Classification: Uncertain significance. Last evaluated: 2023-02-24. Review status: criteria provided, single submitter. Criteria: ACMG Guidelines, 2015. Collection method: clinical testing. Allele origin: germline. Observed: 14 variant alleles.
Comment: BP4, PM5

Sema4
Classification: Benign for Hereditary pancreatitis. Last evaluated: 2020-03-21. Review status: criteria provided, single submitter. Criteria: Sema4 Curation Guidelines. Collection method: curation. Allele origin: germline.

Mendelics
Classification: Benign for Hereditary pancreatitis. Last evaluated: 2019-05-28. Review status: criteria provided, single submitter. Criteria: Mendelics Assertion Criteria 2017. Collection method: clinical testing. Allele origin: unknown.

Illumina Laboratory Services, Illumina
Classification: Likely benign for Hereditary pancreatitis. Last evaluated: 2017-04-27. Review status: criteria provided, single submitter. Criteria: ICSL Variant Classification Criteria 13 December 2019. Collection method: clinical testing. Allele origin: germline.
Comment: This variant was observed as part of a predisposition screen in an ostensibly healthy population. A literature search was performed for the gene, cDNA change, and amino acid change (where applicable). No publications were found based on this search. Allele frequency data from public databases allowed determination this variant is unlikely to cause disease. Therefore, this variant is classified as likely benign.

Ambry Genetics
Classification: Benign for Hereditary pancreatitis. Last evaluated: 2015-12-28. Review status: criteria provided, single submitter. Criteria: Ambry Variant Classification Scheme 2023. Collection method: clinical testing. Allele origin: germline.

PreventionGenetics, part of Exact Sciences
Classification: Likely benign for SPINK1-related condition. Last evaluated: 2022-02-04. Review status: no assertion criteria provided. Collection method: clinical testing. Allele origin: germline. Not counted in ClinVar's aggregate classification.
Comment: This variant is classified as likely benign based on ACMG/AMP sequence variant interpretation guidelines (Richards et al. 2015 PMID: 25741868, with internal and published modifications).

Diagnostic Laboratory, Department of Genetics, University Medical Center Groningen
Classification: Uncertain significance. Review status: no assertion criteria provided. Collection method: clinical testing. Allele origin: germline. Affected: yes. Study: VKGL Data-share Consensus. Not counted in ClinVar's aggregate classification.

Joint Genome Diagnostic Labs from Nijmegen and Maastricht, Radboudumc and MUMC+
Classification: Uncertain significance. Review status: no assertion criteria provided. Collection method: clinical testing. Allele origin: germline. Affected: yes. Study: VKGL Data-share Consensus. Not counted in ClinVar's aggregate classification.

Literature cited by the submitters: PubMed 18580441 (cited by Women's Health and Genetics/Laboratory Corporation of America, LabCorp); PubMed 22526274 (cited by Women's Health and Genetics/Laboratory Corporation of America, LabCorp); PubMed 22343981 (cited by Women's Health and Genetics/Laboratory Corporation of America, LabCorp); PubMed 22749696 (cited by Women's Health and Genetics/Laboratory Corporation of America, LabCorp); PubMed 28502372 (cited by Women's Health and Genetics/Laboratory Corporation of America, LabCorp); PubMed 28994706 (cited by Women's Health and Genetics/Laboratory Corporation of America, LabCorp); PubMed 28440306 (cited by Women's Health and Genetics/Laboratory Corporation of America, LabCorp); PubMed 25383785 (cited by Women's Health and Genetics/Laboratory Corporation of America, LabCorp); PubMed 31628023 (cited by Women's Health and Genetics/Laboratory Corporation of America, LabCorp); PubMed 31391146 (cited by Women's Health and Genetics/Laboratory Corporation of America, LabCorp); PubMed 33515547 (cited by Women's Health and Genetics/Laboratory Corporation of America, LabCorp); PubMed 33097431 (cited by Women's Health and Genetics/Laboratory Corporation of America, LabCorp); PubMed 35974416 (cited by Women's Health and Genetics/Laboratory Corporation of America, LabCorp and Mayo Clinic Laboratories, Mayo Clinic); PubMed 34923708 (cited by Women's Health and Genetics/Laboratory Corporation of America, LabCorp).